The following is an entry in ClinVar:

ClinVar aggregate classification (germline): Uncertain significance. Review status: criteria provided, multiple submitters, no conflicts (2 of 4 stars). 2 submissions from 2 submitters: Uncertain significance (2). Last evaluated 2026-08-25.

Conditions:
Gastrointestinal stromal tumor. Also called: Gastrointestinal stroma tumor; Gastrointestinal stromal tumor, somatic. Identifiers: Orphanet 44890, MedGen C0238198, MeSH D046152, MONDO:0011719, OMIM 606764, HP:0100723.
Hereditary cancer-predisposing syndrome. Also called: Hereditary neoplastic syndrome; Neoplastic Syndromes, Hereditary; Tumor predisposition; Hereditary Cancer Syndrome. Identifiers: Orphanet 140162, MedGen C0027672, MeSH D009386, MONDO:0015356.

Submissions (2):

Ambry Genetics
Classification: Uncertain significance for Hereditary cancer-predisposing syndrome. Last evaluated: 2026-08-25. Review status: criteria provided, single submitter. Criteria: Ambry Variant Classification Scheme 2023. Collection method: clinical testing. Allele origin: germline.
Comment: The c.1323_1324delGCinsCT variant, located in coding exon 8 of the PDGFRA gene, results from an in-frame deletion of GC and insertion of CT at nucleotide positions 1323 to 1324. This results in the substitution of the leucine residue for a phenylalanine residue at codon 442, an amino acid with highly similar properties. This amino acid position is well conserved in available vertebrate species. Based on the available evidence, the clinical significance of this variant remains unclear.

Labcorp Genetics (formerly Invitae), Labcorp
Classification: Uncertain significance for Gastrointestinal stromal tumor. Last evaluated: 2025-03-09. Review status: criteria provided, single submitter. Criteria: Invitae Variant Classification Sherloc (09022015). Collection method: clinical testing. Allele origin: germline.
Comment: This sequence change replaces leucine, which is neutral and non-polar, with phenylalanine, which is neutral and non-polar, at codon 442 of the PDGFRA protein (p.Leu442Phe). Information on the frequency of this variant in the gnomAD database is not available, as this variant may be reported differently in the database. This variant has not been reported in the literature in individuals affected with PDGFRA-related conditions. ClinVar contains an entry for this variant (Variation ID: 2044872). Experimental studies and prediction algorithms are not available or were not evaluated, and the functional significance of this variant is currently unknown. In summary, the available evidence is currently insufficient to determine the role of this variant in disease. Therefore, it has been classified as a Variant of Uncertain Significance.

NM_006206.6(PDGFRA):c.1323_1324delinsCT (p.Leu442Phe)

Gene: PDGFRA (platelet derived growth factor receptor alpha; plus strand). Cytogenetic location: 4q12.
Variant type: Indel.
Coding change: c.1323_1324delinsCT on transcript NM_006206.6 (MANE Select); coding-DNA positions 1323 to 1324, GC replaced by CT.
Protein change: p.Leu442Phe; replaces leucine 442 with phenylalanine.
Molecular consequence: missense variant.
Genome position (GRCh38, 1-based): chr4:54,272,479-54,272,480, GC replaced by CT. VCF-style: chr4-54272479-GC-CT. GRCh37 (hg19) VCF-style: chr4-55138646-GC-CT.
Other names: c.1323_1324delinsCT, p.Leu442Phe (NM_001347827.2, NM_001347829.2); c.1398_1399delinsCT, p.Leu467Phe (NM_001347828.2); c.1362_1363delinsCT, p.Leu455Phe (NM_001347830.2); short protein forms L467F, L442F, L455F.
Identifiers: ClinVar variation 2044872 (VCV002044872.5), dbSNP rs2475482449, ClinGen allele CA2580071150.